The following is an entry in ClinVar:

ClinVar aggregate classification (germline): Pathogenic (1 of 4 stars; one submission).

Submission:

Labcorp Genetics (formerly Invitae), Labcorp
Classification: Pathogenic. Last evaluated: 2023-07-09. Review status: criteria provided, single submitter. Criteria: Invitae Variant Classification Sherloc (09022015). Collection method: clinical testing. Allele origin: germline.
Comment: For these reasons, this variant has been classified as Pathogenic. This variant has not been reported in the literature in individuals affected with HNF1A-related conditions. This variant is not present in population databases (gnomAD no frequency). This sequence change creates a premature translational stop signal (p.Glu56*) in the HNF1A gene. It is expected to result in an absent or disrupted protein product. Loss-of-function variants in HNF1A are known to be pathogenic (PMID: 15928245, 18003757).

Literature cited by the submitters: PubMed 15928245; PubMed 18003757.

NM_000545.8(HNF1A):c.166G>T (p.Glu56Ter)

Gene: HNF1A (HNF1 homeobox A; plus strand). Cytogenetic location: 12q24.31.
Variant type: single nucleotide variant.
Coding change: c.166G>T on transcript NM_000545.8 (MANE Select); coding-DNA position 166, G replaced by T.
Protein change: p.Glu56Ter; replaces glutamic acid 56 with a stop codon.
Molecular consequence: nonsense.
Genome position (GRCh38, 1-based): chr12:120,978,934, G>T. VCF-style: chr12-120978934-G-T. GRCh37 (hg19) VCF-style: chr12-121416737-G-T.
Other names: c.166G>T, p.Glu56Ter (NM_001306179.2, NM_001406915.1); short protein forms E56*.
Identifiers: ClinVar variation 2865059 (VCV002865059.3), dbSNP rs2499973550, ClinGen allele CA386953334.